The following is an entry in ClinVar:

ClinVar aggregate classification (germline): Uncertain significance. Review status: criteria provided, multiple submitters, no conflicts (2 of 4 stars). 4 submissions from 4 submitters: Uncertain significance (4). Last evaluated 2026-08-20.

Conditions:
Familial intrahepatic cholestasis. Identifiers: Orphanet 284385, MedGen CN296401, MONDO:0017290.
Low phospholipid associated cholelithiasis (GBD1). Also called: Gallbladder disease 1; Gallstone cholecystitis. Identifiers: Orphanet 69663, MedGen C2609268, MONDO:0010939, OMIM 600803.

Allele frequency attached by ClinVar (database versions not stated): gnomAD exomes 0.00005.
gnomAD v4.1: 31 of 1,614,028 alleles (0.0019%); highest among the groups gnomAD compares: Middle Eastern, 0.48%; 2 homozygotes.

Submissions (4):

GeneDx
Classification: Uncertain significance. Last evaluated: 2026-08-20. Review status: criteria provided, single submitter. Criteria: GeneDx Variant Classification Process June 2021. Collection method: clinical testing. Allele origin: germline.
Comment: In silico analysis supports that this missense variant has a deleterious effect on protein structure/function; This variant is associated with the following publications: (PMID: 30919572)

Genomenon, Inc
Classification: Uncertain significance for Familial intrahepatic cholestasis; Low phospholipid associated cholelithiasis. Last evaluated: 2026-04-14. Review status: criteria provided, single submitter. Criteria: Genomenon Sequence Variant Interpretation Standards - Updated. Collection method: curation. Allele origin: germline. Affected: no.
Comment: ABCB4 p.Asp1123Asn (c.3367G>A) is a missense variant that changes the amino acid at residue 1123 from Aspartic acid to Asparagine. This variant has been reported in the published literature (PMID:30919572). It is absent or not present at a significant frequency in gnomAD. In conclusion, we classify ABCB4 p.Asp1123Asn (c.3367G>A) as a variant of uncertain significance.

Women's Health and Genetics/Laboratory Corporation of America, LabCorp
Classification: Uncertain significance. Last evaluated: 2024-06-17. Review status: criteria provided, single submitter. Criteria: LabCorp Variant Classification Summary - May 2015. Collection method: clinical testing. Allele origin: germline.
Comment: Variant summary: ABCB4 c.3367G>A (p.Asp1123Asn) results in a conservative amino acid change located in the ABC transporter-like, ATP-binding domain (IPR003439) of the encoded protein sequence. Three of five in-silico tools predict a benign effect of the variant on protein function. The variant was absent in 251362 control chromosomes (gnomAD). The available data on variant occurrences in the general population are insufficient to allow any conclusion about variant significance. c.3367G>A has been reported in the literature as a non-informative genotype within a cohort of 509 Middle Eastern families with suspected Mendelian disease undergoing clinical exome sequencing (Al-Dewik_2019). This report does not provide unequivocal conclusions about association of the variant with Familial Intrahepatic Cholestasis. To our knowledge, no experimental evidence demonstrating an impact on protein function has been reported. The following publication has been ascertained in the context of this evaluation (PMID: 30919572). ClinVar contains an entry for this variant (Variation ID: 1683248). Based on the evidence outlined above, the variant was classified as uncertain significance.

Blueprint Genetics
Classification: Uncertain significance. Last evaluated: 2017-12-04. Review status: criteria provided, single submitter. Criteria: ACMG Guidelines, 2015. Collection method: clinical testing. Allele origin: germline.

Literature cited by the submitters: PubMed 30919572 (cited by Genomenon, Inc and Women's Health and Genetics/Laboratory Corporation of America, LabCorp).

NM_000443.4(ABCB4):c.3367G>A (p.Asp1123Asn)

Gene: ABCB4 (ATP binding cassette subfamily B member 4; minus strand). Cytogenetic location: 7q21.12.
Variant type: single nucleotide variant.
Coding change: c.3367G>A on transcript NM_000443.4 (MANE Select); coding-DNA position 3367, G replaced by A.
Protein change: p.Asp1123Asn; replaces aspartic acid 1123 with asparagine.
Molecular consequence: missense variant.
Genome position (GRCh38, 1-based): chr7:87,406,407, C>T on the plus strand (G>A on the coding strand, the complement: ABCB4 is on the minus strand). VCF-style: chr7-87406407-C-T. GRCh37 (hg19) VCF-style: chr7-87035723-C-T.
Other names: c.3388G>A, p.Asp1130Asn (NM_018849.3); c.3226G>A, p.Asp1076Asn (NM_018850.3); short protein forms D1076N, D1123N, D1130N.
Identifiers: ClinVar variation 1683248 (VCV001683248.6), dbSNP rs866301089, ClinGen allele CA162103678.